The following is an entry in ClinVar:

NM_001135649.3(FOXI3):c.211G>C (p.Ala71Pro)

Gene: FOXI3 (forkhead box I3; minus strand). Cytogenetic location: 2p11.2.
Variant type: single nucleotide variant.
Coding change: c.211G>C on transcript NM_001135649.3 (MANE Select); coding-DNA position 211, G replaced by C.
Protein change: p.Ala71Pro; replaces alanine 71 with proline.
Molecular consequence: missense variant.
Genome position (GRCh38, 1-based): chr2:88,452,325, C>G on the plus strand (G>C on the coding strand, the complement: FOXI3 is on the minus strand). VCF-style: chr2-88452325-C-G. GRCh37 (hg19) VCF-style: chr2-88751843-C-G.
Other names: short protein forms A71P.
Identifiers: ClinVar variation 2253012 (VCV002253012.3), dbSNP rs1676066570, ClinGen allele CA347766827.

ClinVar aggregate classification (germline): Uncertain significance. Review status: criteria provided, multiple submitters, no conflicts (2 of 4 stars). 2 submissions from 2 submitters: Uncertain significance (2). Last evaluated 2025-10-07.

Conditions:
Inborn genetic diseases. Identifiers: MedGen C0950123, MeSH D030342.

Allele frequency attached by ClinVar (database versions not stated): TOPMed below 0.00001.

Submissions (2):

Labcorp Genetics (formerly Invitae), Labcorp
Classification: Uncertain significance. Last evaluated: 2025-10-07. Review status: criteria provided, single submitter. Criteria: Invitae Variant Classification Sherloc (09022015). Collection method: clinical testing. Allele origin: germline.
Comment: This sequence change replaces alanine, which is neutral and non-polar, with proline, which is neutral and non-polar, at codon 71 of the FOXI3 protein (p.Ala71Pro). The frequency data for this variant in the population databases is considered unreliable, as metrics indicate insufficient coverage at this position in the gnomAD database. This variant has not been reported in the literature in individuals affected with FOXI3-related conditions. ClinVar contains an entry for this variant (Variation ID: 2253012). Experimental studies and prediction algorithms are not available or were not evaluated, and the functional significance of this variant is currently unknown. In summary, the available evidence is currently insufficient to determine the role of this variant in disease. Therefore, it has been classified as a Variant of Uncertain Significance.

Ambry Genetics
Classification: Uncertain significance for Inborn genetic diseases. Last evaluated: 2021-10-05. Review status: criteria provided, single submitter. Criteria: Ambry Variant Classification Scheme 2023. Collection method: clinical testing. Allele origin: germline.